The following is an entry in ClinVar:

ClinVar aggregate classification (germline): Uncertain significance (1 of 4 stars; one submission).

Conditions:
Peutz-Jeghers syndrome (PJS). Also called: Peutz-Jeghers polyposis; Periorificial lentiginosis syndrome; POLYPOSIS, HAMARTOMATOUS INTESTINAL; POLYPS-AND-SPOTS SYNDROME. Identifiers: Orphanet 2869, MedGen C0031269, MeSH D010580, MONDO:0008280, OMIM 175200.

Submission:

Labcorp Genetics (formerly Invitae), Labcorp
Classification: Uncertain significance for Peutz-Jeghers syndrome. Last evaluated: 2022-09-27. Review status: criteria provided, single submitter. Criteria: Invitae Variant Classification Sherloc (09022015). Collection method: clinical testing. Allele origin: germline.
Comment: This variant has not been reported in the literature in individuals affected with STK11-related conditions. This variant is not present in population databases (gnomAD no frequency). This sequence change replaces lysine, which is basic and polar, with asparagine, which is neutral and polar, at codon 311 of the STK11 protein (p.Lys311Asn). Advanced modeling of protein sequence and biophysical properties (such as structural, functional, and spatial information, amino acid conservation, physicochemical variation, residue mobility, and thermodynamic stability) has been performed at Invitae for this missense variant, however the output from this modeling did not meet the statistical confidence thresholds required to predict the impact of this variant on STK11 protein function. In summary, the available evidence is currently insufficient to determine the role of this variant in disease. Therefore, it has been classified as a Variant of Uncertain Significance.

NM_000455.5(STK11):c.933G>T (p.Lys311Asn)

Gene: STK11 (serine/threonine kinase 11; plus strand). Cytogenetic location: 19p13.3.
Variant type: single nucleotide variant.
Coding change: c.933G>T on transcript NM_000455.5 (MANE Select); coding-DNA position 933, G replaced by T.
Protein change: p.Lys311Asn; replaces lysine 311 with asparagine.
Molecular consequence: missense variant.
Genome position (GRCh38, 1-based): chr19:1,222,997, G>T. VCF-style: chr19-1222997-G-T. GRCh37 (hg19) VCF-style: chr19-1222996-G-T.
Other names: c.933G>T, p.Lys311Asn (NM_001407255.1); short protein forms K311N.
Identifiers: ClinVar variation 1720548 (VCV001720548.5), dbSNP rs1409790643, ClinGen allele CA402951459.
Genomic context (GRCh38, chr19:1,222,997, plus strand): 5'-CGCCCTGGTGCCAGCCTGACAGGCGCCACTGCTTCTGGGCGTTTGCAGCTGGTTCCGGAA[G>T]AAACATCCTCCGGCTGAAGCACCAGTGCCCATCCCACCGAGCCCAGACACCAAGGACCGG-3'
Protein context (NP_000446.1, residues 301-321): RQIRQHSWFR[Lys311Asn]KHPPAEAPVP